The following is an entry in ClinVar:

ClinVar aggregate classification (germline): Uncertain significance (1 of 4 stars; one submission).

Allele frequency attached by ClinVar (database versions not stated): ExAC 0.00002; gnomAD 0.00005; TOPMed 0.00007; ESP Exome Variant Server 0.00008.
gnomAD v4.1: 11 of 1,613,950 alleles (0.00068%); highest among the groups gnomAD compares: African/African-American, 0.013%; no homozygotes.

Submission:

Labcorp Genetics (formerly Invitae), Labcorp
Classification: Uncertain significance. Last evaluated: 2025-10-05. Review status: criteria provided, single submitter. Criteria: Invitae Variant Classification Sherloc (09022015). Collection method: clinical testing. Allele origin: germline.
Comment: This sequence change replaces valine, which is neutral and non-polar, with leucine, which is neutral and non-polar, at codon 527 of the FZD4 protein (p.Val527Leu). This variant is present in population databases (rs146277634, gnomAD 0.02%). This variant has not been reported in the literature in individuals affected with FZD4-related conditions. ClinVar contains an entry for this variant (Variation ID: 2174974). Invitae Evidence Modeling of protein sequence and biophysical properties (such as structural, functional, and spatial information, amino acid conservation, physicochemical variation, residue mobility, and thermodynamic stability) indicates that this missense variant is not expected to disrupt FZD4 protein function with a negative predictive value of 80%. In summary, the available evidence is currently insufficient to determine the role of this variant in disease. Therefore, it has been classified as a Variant of Uncertain Significance.

NM_012193.4(FZD4):c.1579G>T (p.Val527Leu)

Genes: FZD4 (frizzled class receptor 4; minus strand), PRSS23 (serine protease 23; plus strand). Cytogenetic location: 11q14.2.
Variant type: single nucleotide variant.
Coding change: c.1579G>T on transcript NM_012193.4 (MANE Select); coding-DNA position 1579, G replaced by T.
Protein change: p.Val527Leu; replaces valine 527 with leucine.
Molecular consequence: missense variant.
Genome position (GRCh38, 1-based): chr11:86,951,177, C>A on the plus strand (G>T on the coding strand, the complement: FZD4 is on the minus strand). VCF-style: chr11-86951177-C-A. GRCh37 (hg19) VCF-style: chr11-86662219-C-A.
Other names: short protein forms V527L.
Identifiers: ClinVar variation 2174974 (VCV002174974.4), dbSNP rs146277634, ClinGen allele CA6218292.
Genomic context (GRCh38, chr11:86,951,177, plus strand): 5'-AAGAAAGCATGGAGGCTGACTAGCCTTATACCACAGTCTCACTGCCTTTTCCAGGCTTCA[C>A]CCAACCATTTCCTCTCTTCTCTCTCTTTACCTTTCCAGAATTCACCAATCTGTTGGAACA-3'
Protein context (NP_036325.2, residues 517-537): VKREKRGNGW[Val527Leu]KPGKGSETVV